The following is an entry in ClinVar:

NC_000003.11:g.(?_12447361)_(12458673_?)del

Gene: PPARG (peroxisome proliferator activated receptor gamma; plus strand). Cytogenetic location: 3p25.2.
Variant type: Deletion.
Identifiers: ClinVar variation 3247023 (VCV003247023.1).

ClinVar aggregate classification (germline): Uncertain significance (1 of 4 stars; one submission).

Submission:

Labcorp Genetics (formerly Invitae), Labcorp
Classification: Uncertain significance. Last evaluated: 2023-05-30. Review status: criteria provided, single submitter. Criteria: Invitae Variant Classification Sherloc (09022015). Collection method: clinical testing. Allele origin: unknown.
Comment: In summary, the available evidence is currently insufficient to determine the role of this variant in disease. Therefore, it has been classified as a Variant of Uncertain Significance. Experimental studies and prediction algorithms are not available or were not evaluated, and the functional significance of this variant is currently unknown. This variant has not been reported in the literature in individuals affected with PPARG-related conditions. This variant is a gross deletion of the genomic region encompassing exon(s) 5-6 of the PPARG gene. This variant would be expected to be in-frame, preserving the integrity of the reading frame.